The following is an entry in ClinVar:

ClinVar aggregate classification (germline): Uncertain significance. Review status: criteria provided, multiple submitters, no conflicts (2 of 4 stars). 2 submissions from 2 submitters: Uncertain significance (2). Last evaluated 2025-10-22.

Allele frequency attached by ClinVar (database versions not stated): ExAC 0.00007; gnomAD exomes 0.00008.
gnomAD v4.1: 82 of 1,613,946 alleles (0.0051%); highest among the groups gnomAD compares: Non-Finnish European, 0.006%; no homozygotes.

Submissions (2):

Labcorp Genetics (formerly Invitae), Labcorp
Classification: Uncertain significance. Last evaluated: 2025-10-22. Review status: criteria provided, single submitter. Criteria: Invitae Variant Classification Sherloc (09022015). Collection method: clinical testing. Allele origin: germline.
Comment: This sequence change replaces alanine, which is neutral and non-polar, with threonine, which is neutral and polar, at codon 2741 of the HTT protein (p.Ala2741Thr). This variant is present in population databases (rs772607321, gnomAD 0.01%). This variant has not been reported in the literature in individuals affected with HTT-related conditions. ClinVar contains an entry for this variant (Variation ID: 1523066). Experimental studies and prediction algorithms are not available or were not evaluated, and the functional significance of this variant is currently unknown. In summary, the available evidence is currently insufficient to determine the role of this variant in disease. Therefore, it has been classified as a Variant of Uncertain Significance.

Blueprint Genetics
Classification: Uncertain significance. Last evaluated: 2024-11-26. Review status: criteria provided, single submitter. Criteria: ACMG Guidelines, 2015. Collection method: clinical testing. Allele origin: germline.

NM_001388492.1(HTT):c.8215G>A (p.Ala2739Thr)

Gene: HTT (huntingtin; plus strand). Cytogenetic location: 4p16.3.
Variant type: single nucleotide variant.
Coding change: c.8215G>A on transcript NM_001388492.1 (MANE Select); coding-DNA position 8215, G replaced by A.
Protein change: p.Ala2739Thr; replaces alanine 2739 with threonine.
Molecular consequence: missense variant.
Genome position (GRCh38, 1-based): chr4:3,229,992, G>A. VCF-style: chr4-3229992-G-A. GRCh37 (hg19) VCF-style: chr4-3231719-G-A.
Other names: c.8221G>A, p.Ala2741Thr (NM_002111.8); short protein forms A2739T, A2741T.
Identifiers: ClinVar variation 1523066 (VCV001523066.7), dbSNP rs772607321, ClinGen allele CA2825634.